The following is an entry in ClinVar:

ClinVar aggregate classification (germline): Uncertain significance (1 of 4 stars; one submission).

Conditions:
Spastic paraplegia. Identifiers: MedGen C0037772, HP:0001258.

Submission:

Labcorp Genetics (formerly Invitae), Labcorp
Classification: Uncertain significance for Spastic paraplegia. Last evaluated: 2025-05-16. Review status: criteria provided, single submitter. Criteria: Invitae Variant Classification Sherloc (09022015). Collection method: clinical testing. Allele origin: germline.
Comment: This sequence change replaces glutamic acid, which is acidic and polar, with aspartic acid, which is acidic and polar, at codon 179 of the CYP7B1 protein (p.Glu179Asp). This variant is not present in population databases (gnomAD no frequency). This variant has not been reported in the literature in individuals affected with CYP7B1-related conditions. ClinVar contains an entry for this variant (Variation ID: 1495874). Invitae Evidence Modeling of protein sequence and biophysical properties (such as structural, functional, and spatial information, amino acid conservation, physicochemical variation, residue mobility, and thermodynamic stability) indicates that this missense variant is not expected to disrupt CYP7B1 protein function with a negative predictive value of 95%. In summary, the available evidence is currently insufficient to determine the role of this variant in disease. Therefore, it has been classified as a Variant of Uncertain Significance.

NM_004820.5(CYP7B1):c.537A>T (p.Glu179Asp)

Gene: CYP7B1 (cytochrome P450 family 7 subfamily B member 1; minus strand). Cytogenetic location: 8q12.3.
Variant type: single nucleotide variant.
Coding change: c.537A>T on transcript NM_004820.5 (MANE Select); coding-DNA position 537, A replaced by T.
Protein change: p.Glu179Asp; replaces glutamic acid 179 with aspartic acid.
Molecular consequence: missense variant.
Genome position (GRCh38, 1-based): chr8:64,616,004, T>A on the plus strand (A>T on the coding strand, the complement: CYP7B1 is on the minus strand). VCF-style: chr8-64616004-T-A. GRCh37 (hg19) VCF-style: chr8-65528561-T-A.
Other names: c.537A>T, p.Glu179Asp (NM_001324112.2); short protein forms E179D.
Identifiers: ClinVar variation 1495874 (VCV001495874.8), dbSNP rs2129630212, ClinGen allele CA371335529.